The following is an entry in ClinVar:

ClinVar aggregate classification (germline): Likely benign (1 of 4 stars; one submission).

Conditions:
LGR4-related disorder. Also called: LGR4-related condition.

gnomAD v4.1: 48 of 1,583,256 alleles (0.003%); highest among the groups gnomAD compares: Non-Finnish European, 0.004%; no homozygotes.

Submission:

PreventionGenetics, part of Exact Sciences
Classification: Likely benign for LGR4-related condition. Last evaluated: 2025-01-06. Review status: criteria provided, single submitter. Criteria: ACMG Guidelines, 2015. Collection method: clinical testing. Allele origin: germline.
Comment: This variant is classified as likely benign based on ACMG/AMP sequence variant interpretation guidelines (Richards et al. 2015 PMID: 25741868, with internal and published modifications).

NM_018490.5(LGR4):c.1101G>A (p.Leu367=)

Gene: LGR4 (leucine rich repeat containing G protein-coupled receptor 4; minus strand). Cytogenetic location: 11p14.1.
Variant type: single nucleotide variant.
Coding change: c.1101G>A on transcript NM_018490.5 (MANE Select); coding-DNA position 1101, G replaced by A.
Protein change: p.Leu367=; no amino-acid change (leucine 367 retained).
Molecular consequence: synonymous variant.
Genome position (GRCh38, 1-based): chr11:27,377,166, C>T on the plus strand (G>A on the coding strand, the complement: LGR4 is on the minus strand). VCF-style: chr11-27377166-C-T. GRCh37 (hg19) VCF-style: chr11-27398713-C-T.
Other names: c.1029G>A, p.Leu343= (NM_001346432.2).
Identifiers: ClinVar variation 4990681 (VCV004990681.1).
Genomic context (GRCh38, chr11:27,377,166, plus strand): 5'-AACAAACTAACAATACACCACAACAAAAGGAATAAGTCAAAGACCAACTCACATTTCTTC[C>T]AGAGCATGGCAACCATTAAAACTTGGAAGGTCTCTTATATTATTGTAAGACAAGTCCCTT-3'
Protein context (NP_060960.2, residues 357-377): DLPSFNGCHA[Leu367=]EEISLQRNQI